The following is an entry in ClinVar:

NM_002691.4(POLD1):c.2896C>T (p.Leu966Phe)

Gene: POLD1 (DNA polymerase delta 1, catalytic subunit; plus strand). Cytogenetic location: 19q13.33.
Variant type: single nucleotide variant.
Coding change: c.2896C>T on transcript NM_002691.4 (MANE Select); coding-DNA position 2896, C replaced by T.
Protein change: p.Leu966Phe; replaces leucine 966 with phenylalanine.
Molecular consequence: missense variant. On other transcripts: non-coding transcript variant (1).
Genome position (GRCh38, 1-based): chr19:50,416,471, C>T. VCF-style: chr19-50416471-C-T. GRCh37 (hg19) VCF-style: chr19-50919728-C-T.
Other names: c.2896C>T, p.Leu966Phe (NM_001256849.1); c.2974C>T, p.Leu992Phe (NM_001308632.1); c.2896C>T (NM_002691.2); short protein forms L992F, L966F.
Identifiers: ClinVar variation 639099 (VCV000639099.9), dbSNP rs1601246491, ClinGen allele CA406986489.
Genomic context (GRCh38, chr19:50,416,471, plus strand): 5'-CTGGAGCACAGCCTGCCCATTGACACGCAGTACTACCTGGAGCAGCAGCTGGCCAAGCCC[C>T]TCCTGCGCATCTTCGAGCCCATCCTGGGCGAGGGCCGTGCCGAGGCTGTGCTACTGCGTA-3'
Protein context (NP_002682.2, residues 956-976): YYLEQQLAKP[Leu966Phe]LRIFEPILGE

ClinVar aggregate classification (germline): Uncertain significance. Review status: criteria provided, multiple submitters, no conflicts (2 of 4 stars). 2 submissions from 2 submitters: Uncertain significance (2). Last evaluated 2025-01-27.

Conditions:
Hereditary cancer-predisposing syndrome. Also called: Hereditary neoplastic syndrome; Tumor predisposition; Hereditary Cancer Syndrome; Neoplastic Syndromes, Hereditary. Identifiers: Orphanet 140162, MedGen C0027672, MeSH D009386, MONDO:0015356.
POLD1-related polyposis and colorectal cancer syndrome (CRCS10). Also called: Colorectal cancer, susceptibility to, 10; Colorectal cancer 10; COLORECTAL CANCER, SUSCEPTIBILITY TO, ON CHROMOSOME 19q. Identifiers: Orphanet 220460, MedGen C2675481, MONDO:0012953, OMIM 612591.

Allele frequency attached by ClinVar (database versions not stated): gnomAD exomes below 0.00001.
gnomAD v4.1: 2 of 1,551,300 alleles (0.00013%); highest among the groups gnomAD compares: Admixed American, 0.002%; no homozygotes.

Submissions (2):

Ambry Genetics
Classification: Uncertain significance for Hereditary cancer-predisposing syndrome. Last evaluated: 2025-01-27. Review status: criteria provided, single submitter. Criteria: Ambry Variant Classification Scheme 2023. Collection method: clinical testing. Allele origin: germline.
Comment: The p.L966F variant (also known as c.2896C>T), located in coding exon 22 of the POLD1 gene, results from a C to T substitution at nucleotide position 2896. The leucine at codon 966 is replaced by phenylalanine, an amino acid with highly similar properties. This amino acid position is highly conserved in available vertebrate species. In addition, this alteration is predicted to be tolerated by in silico analysis. Based on the available evidence, the clinical significance of this variant remains unclear.

Labcorp Genetics (formerly Invitae), Labcorp
Classification: Uncertain significance for POLD1-related polyposis and colorectal cancer syndrome. Last evaluated: 2024-09-05. Review status: criteria provided, single submitter. Criteria: Invitae Variant Classification Sherloc (09022015). Collection method: clinical testing. Allele origin: germline.
Comment: This sequence change replaces leucine, which is neutral and non-polar, with phenylalanine, which is neutral and non-polar, at codon 966 of the POLD1 protein (p.Leu966Phe). This variant is not present in population databases (gnomAD no frequency). This variant has not been reported in the literature in individuals affected with POLD1-related conditions. ClinVar contains an entry for this variant (Variation ID: 639099). Invitae Evidence Modeling of protein sequence and biophysical properties (such as structural, functional, and spatial information, amino acid conservation, physicochemical variation, residue mobility, and thermodynamic stability) indicates that this missense variant is expected to disrupt POLD1 protein function with a positive predictive value of 80%. In summary, the available evidence is currently insufficient to determine the role of this variant in disease. Therefore, it has been classified as a Variant of Uncertain Significance.